The following is an entry in ClinVar:

NM_153682.3(PIGP):c.-22-22T>C

Genes: PIGP (phosphatidylinositol glycan anchor biosynthesis class P; minus strand), LOC130066643 (ATAC-STARR-seq lymphoblastoid silent region 13296; plus strand). Cytogenetic location: 21q22.13.
Variant type: single nucleotide variant.
Coding change: c.-22-22T>C on transcript NM_153682.3 (MANE Select); 22 bases into the intron before 22 bases upstream of the start codon, T replaced by C.
Molecular consequence: intron variant. On other transcripts: missense variant (1).
Genome position (GRCh38, 1-based): chr21:37,072,559, A>G on the plus strand (T>C on the coding strand, the complement: PIGP is on the minus strand). VCF-style: chr21-37072559-A-G. GRCh37 (hg19) VCF-style: chr21-38444859-A-G.
Other names: c.29T>C, p.Leu10Pro (NM_153681.2); c.-266-22T>C (NM_016430.4); c.-22-22T>C (NM_001320480.2); short protein forms L10P.
Identifiers: ClinVar variation 1433760 (VCV001433760.8), dbSNP rs2070149326, ClinGen allele CA409921726.

ClinVar aggregate classification (germline): Uncertain significance (1 of 4 stars; one submission).

Allele frequency attached by ClinVar (database versions not stated): TOPMed below 0.00001.

Submission:

Labcorp Genetics (formerly Invitae), Labcorp
Classification: Uncertain significance. Last evaluated: 2022-06-28. Review status: criteria provided, single submitter. Criteria: Invitae Variant Classification Sherloc (09022015). Collection method: clinical testing. Allele origin: germline.
Comment: In summary, the available evidence is currently insufficient to determine the role of this variant in disease. Therefore, it has been classified as a Variant of Uncertain Significance. Algorithms developed to predict the effect of missense changes on protein structure and function are either unavailable or do not agree on the potential impact of this missense change (SIFT: "Deleterious"; PolyPhen-2: "Benign"; Align-GVGD: "Class C0"). This variant has not been reported in the literature in individuals affected with PIGP-related conditions. This variant is not present in population databases (gnomAD no frequency). This sequence change replaces leucine, which is neutral and non-polar, with proline, which is neutral and non-polar, at codon 10 of the PIGP protein (p.Leu10Pro).